The following is an entry in ClinVar:

ClinVar aggregate classification (germline): Uncertain significance (1 of 4 stars; one submission).

Submission:

GeneDx
Classification: Uncertain significance. Last evaluated: 2022-11-16. Review status: criteria provided, single submitter. Criteria: GeneDx Variant Classification Process June 2021. Collection method: clinical testing. Allele origin: germline. Affected: yes.
Comment: Not observed at significant frequency in large population cohorts (gnomAD); Nonsense variant predicted to result in protein truncation, as the last 42 amino acids are lost, and other loss-of-function variants have been reported downstream in HGMD; Has not been previously published as pathogenic or benign to our knowledge

NM_003924.4(PHOX2B):c.819G>A (p.Trp273Ter)

Gene: PHOX2B (paired like homeobox 2B; minus strand). Cytogenetic location: 4p13.
Variant type: single nucleotide variant.
Coding change: c.819G>A on transcript NM_003924.4 (MANE Select); coding-DNA position 819, G replaced by A.
Protein change: p.Trp273Ter; replaces tryptophan 273 with a stop codon.
Molecular consequence: nonsense.
Genome position (GRCh38, 1-based): chr4:41,745,933, C>T on the plus strand (G>A on the coding strand, the complement: PHOX2B is on the minus strand). VCF-style: chr4-41745933-C-T. GRCh37 (hg19) VCF-style: chr4-41747950-C-T.
Other names: short protein forms W273*.
Identifiers: ClinVar variation 2502689 (VCV002502689.1), dbSNP rs2552096785, ClinGen allele CA356737078.